The following is an entry in ClinVar:

NM_002734.5(PRKAR1A):c.104T>C (p.Ile35Thr)

Gene: PRKAR1A (protein kinase cAMP-dependent type I regulatory subunit alpha; plus strand). Cytogenetic location: 17q24.2.
Variant type: single nucleotide variant.
Coding change: c.104T>C on transcript NM_002734.5 (MANE Select); coding-DNA position 104, T replaced by C.
Protein change: p.Ile35Thr; replaces isoleucine 35 with threonine.
Molecular consequence: missense variant.
Genome position (GRCh38, 1-based): chr17:68,515,503, T>C. VCF-style: chr17-68515503-T-C. GRCh37 (hg19) VCF-style: chr17-66511644-T-C.
Other names: c.104T>C, p.Ile35Thr (NM_001276289.2, NM_001276290.1, NM_001278433.2 and 4 more transcripts); short protein forms I35T.
Identifiers: ClinVar variation 4829374 (VCV004829374.1).
Genomic context (GRCh38, chr17:68,515,503, plus strand): 5'-TTCGAGAATGTGAGCTCTACGTCCAGAAGCATAACATTCAAGCGCTGCTCAAAGATTCTA[T>C]TGTGCAGTTGTGCACTGCTCGACCTGAGAGACCCATGGCATTCCTCAGGGAATACTTTGA-3'
Protein context (NP_002725.1, residues 25-45): HNIQALLKDS[Ile35Thr]VQLCTARPER

ClinVar aggregate classification (germline): Uncertain significance (1 of 4 stars; one submission).

Conditions:
Hereditary cancer-predisposing syndrome. Also called: Neoplastic Syndromes, Hereditary; Tumor predisposition; Hereditary Cancer Syndrome; Hereditary neoplastic syndrome. Identifiers: Orphanet 140162, MedGen C0027672, MeSH D009386, MONDO:0015356.

Submission:

Ambry Genetics
Classification: Uncertain significance for Hereditary cancer-predisposing syndrome. Last evaluated: 2026-02-23. Review status: criteria provided, single submitter. Criteria: Ambry Variant Classification Scheme 2023. Collection method: clinical testing. Allele origin: germline.
Comment: The p.I35T variant (also known as c.104T>C), located in coding exon 1 of the PRKAR1A gene, results from a T to C substitution at nucleotide position 104. The isoleucine at codon 35 is replaced by threonine, an amino acid with similar properties. This amino acid position is highly conserved in available vertebrate species. In addition, this alteration is predicted to be deleterious by in silico analysis. Based on the available evidence, the clinical significance of this variant remains unclear.